The following is an entry in ClinVar:

NM_001393504.1(MAST3):c.1224G>A (p.Gly408=)

Gene: MAST3 (microtubule associated serine/threonine kinase 3; plus strand). Cytogenetic location: 19p13.11.
Variant type: single nucleotide variant.
Coding change: c.1224G>A on transcript NM_001393504.1 (MANE Select); coding-DNA position 1224, G replaced by A.
Protein change: p.Gly408=; no amino-acid change (glycine 408 retained).
Molecular consequence: synonymous variant.
Genome position (GRCh38, 1-based): chr19:18,130,494, G>A. VCF-style: chr19-18130494-G-A. GRCh37 (hg19) VCF-style: chr19-18241304-G-A.
Other names: c.1248G>A, p.Gly416= (NM_001393501.1); c.1227G>A, p.Gly409= (NM_001393502.1); c.1224G>A, p.Gly408= (NM_001393503.1); c.1221G>A, p.Gly407= (NM_001393505.1); c.1176G>A, p.Gly392= (NM_001393506.1, NM_001393513.1); c.1203G>A, p.Gly401= (NM_001393507.1); c.1158G>A, p.Gly386= (NM_001393508.1, NM_001393516.1); c.1155G>A, p.Gly385= (NM_001393509.1, NM_001393510.1, NM_001393512.1 and 2 more transcripts); and 4 more.
Identifiers: ClinVar variation 2649564 (VCV002649564.24), dbSNP rs1050433752, ClinGen allele CA306166485.
Genomic context (GRCh38, chr19:18,130,494, plus strand): 5'-CTGTAGTGCCTGCTGGGGCCTCGATCTCCGGTCCCAGCAAGCCTGGCCCTCTGTCCCCAG[G>A]GCCGTCTACCTGGTGCGGCACCGTGACACACGGCAGCGCTTTGCCATCAAGAAGATCAAC-3'
Protein context (NP_001380433.1, residues 398-418): TIKLISNGAY[Gly408=]AVYLVRHRDT

ClinVar aggregate classification (germline): Likely benign (1 of 4 stars; one submission).

Allele frequency attached by ClinVar (database versions not stated): TOPMed 0.00001; gnomAD 0.00002.
gnomAD v4.1: 7 of 1,592,954 alleles (0.00044%); highest among the groups gnomAD compares: Non-Finnish European, 0.00034%; no homozygotes.

Submission:

CeGaT Center for Human Genetics Tuebingen
Classification: Likely benign. Last evaluated: 2023-04-01. Review status: criteria provided, single submitter. Criteria: CeGaT Center For Human Genetics Tuebingen Variant Classification Criteria Version 2. Collection method: clinical testing. Allele origin: germline. Affected: yes. Observed: 1 variant allele.
Comment: MAST3: BP4, BP7